The following is an entry in ClinVar:

NM_003072.5(SMARCA4):c.222+5G>A

Gene: SMARCA4 (SWI/SNF related BAF chromatin remodeling complex subunit ATPase 4; plus strand). Cytogenetic location: 19p13.2.
Variant type: single nucleotide variant.
Coding change: c.222+5G>A on transcript NM_003072.5 (MANE Select); 5 bases into the intron after coding-DNA position 222, G replaced by A.
Molecular consequence: intron variant.
Genome position (GRCh38, 1-based): chr19:10,984,378, G>A. VCF-style: chr19-10984378-G-A. GRCh37 (hg19) VCF-style: chr19-11095054-G-A.
Other names: c.222+5G>A (NM_001128844.3, NM_001128849.3, NM_001128847.4 and 5 more transcripts).
Identifiers: ClinVar variation 1443951 (VCV001443951.8), dbSNP rs1555751086, ClinGen allele CA2322706670.

ClinVar aggregate classification (germline): Uncertain significance. Review status: criteria provided, multiple submitters, no conflicts (2 of 4 stars). 2 submissions from 2 submitters: Uncertain significance (2). Last evaluated 2024-06-28.

Conditions:
Hereditary cancer-predisposing syndrome. Also called: Tumor predisposition; Hereditary Cancer Syndrome; Hereditary neoplastic syndrome; Neoplastic Syndromes, Hereditary. Identifiers: Orphanet 140162, MedGen C0027672, MeSH D009386, MONDO:0015356.
Rhabdoid tumor predisposition syndrome 2 (RTPS2). Identifiers: Orphanet 231108, Orphanet 69077, MedGen C2750074, MONDO:0013224, OMIM 613325.

Allele frequency attached by ClinVar (database versions not stated): gnomAD exomes below 0.00001.
gnomAD v4.1: 1 of 1,574,696 alleles (0.000064%); highest among the groups gnomAD compares: East Asian, 0.0024%; no homozygotes.

Submissions (2):

Labcorp Genetics (formerly Invitae), Labcorp
Classification: Uncertain significance for Rhabdoid tumor predisposition syndrome 2. Last evaluated: 2024-06-28. Review status: criteria provided, single submitter. Criteria: Invitae Variant Classification Sherloc (09022015). Collection method: clinical testing. Allele origin: germline.
Comment: This sequence change falls in intron 2 of the SMARCA4 gene. It does not directly change the encoded amino acid sequence of the SMARCA4 protein. It affects a nucleotide within the consensus splice site. This variant is not present in population databases (gnomAD no frequency). This variant has not been reported in the literature in individuals affected with SMARCA4-related conditions. ClinVar contains an entry for this variant (Variation ID: 1443951). Variants that disrupt the consensus splice site are a relatively common cause of aberrant splicing (PMID: 17576681, 9536098). Algorithms developed to predict the effect of sequence changes on RNA splicing suggest that this variant is not likely to affect RNA splicing. In summary, the available evidence is currently insufficient to determine the role of this variant in disease. Therefore, it has been classified as a Variant of Uncertain Significance.

Ambry Genetics
Classification: Uncertain significance for Hereditary cancer-predisposing syndrome. Last evaluated: 2022-10-19. Review status: criteria provided, single submitter. Criteria: Ambry Variant Classification Scheme 2023. Collection method: clinical testing. Allele origin: germline.
Comment: The c.222+5G>A intronic variant results from a G to A substitution 5 nucleotides after coding exon 1 in the SMARCA4 gene. This nucleotide position is well conserved in available vertebrate species. In silico splice site analysis predicts that this alteration will not have any significant effect on splicing. Since supporting evidence is limited at this time, the clinical significance of this alteration remains unclear.

Literature cited by the submitters: PubMed 17576681 (cited by Labcorp Genetics (formerly Invitae), Labcorp); PubMed 9536098 (cited by Labcorp Genetics (formerly Invitae), Labcorp).